The following is an entry in ClinVar:

ClinVar aggregate classification (germline): Benign/Likely benign. Review status: criteria provided, multiple submitters, no conflicts (2 of 4 stars). 3 submissions from 3 submitters: Benign (1); Likely benign (1). 1 of the submissions does not count toward it. Last evaluated 2022-09-01.

Conditions:
SEMA3C-related disorder. Also called: SEMA3C-related condition.

Allele frequency attached by ClinVar (database versions not stated): 1000 Genomes Project 0.00359; ExAC 0.00077; gnomAD 0.00115; TOPMed 0.00177; ESP Exome Variant Server 0.00231; 1000 Genomes Project 30x 0.00328.
gnomAD v4.1: 556 of 1,612,402 alleles (0.034%); highest among the groups gnomAD compares: African/African-American, 0.61%; 4 homozygotes.

Submissions (3):

CeGaT Center for Human Genetics Tuebingen
Classification: Likely benign. Last evaluated: 2022-09-01. Review status: criteria provided, single submitter. Criteria: CeGaT Center For Human Genetics Tuebingen Variant Classification Criteria Version 2. Collection method: clinical testing. Allele origin: germline. Affected: yes. Observed: 1 variant allele.
Comment: SEMA3C: BP4, BP7

Labcorp Genetics (formerly Invitae), Labcorp
Classification: Benign. Last evaluated: 2019-12-31. Review status: criteria provided, single submitter. Criteria: Invitae Variant Classification Sherloc (09022015). Collection method: clinical testing. Allele origin: germline.

PreventionGenetics, part of Exact Sciences
Classification: Benign for SEMA3C-related condition. Last evaluated: 2024-08-13. Review status: no assertion criteria provided. Collection method: clinical testing. Allele origin: germline. Not counted in ClinVar's aggregate classification.
Comment: This variant is classified as benign based on ACMG/AMP sequence variant interpretation guidelines (Richards et al. 2015 PMID: 25741868, with internal and published modifications).

NM_006379.5(SEMA3C):c.330C>T (p.His110=)

Gene: SEMA3C (semaphorin 3C; minus strand). Cytogenetic location: 7q21.11.
Variant type: single nucleotide variant.
Coding change: c.330C>T on transcript NM_006379.5 (MANE Select); coding-DNA position 330, C replaced by T.
Protein change: p.His110=; no amino-acid change (histidine 110 retained).
Molecular consequence: synonymous variant.
Genome position (GRCh38, 1-based): chr7:80,818,416, G>A on the plus strand (C>T on the coding strand, the complement: SEMA3C is on the minus strand). VCF-style: chr7-80818416-G-A. GRCh37 (hg19) VCF-style: chr7-80447732-G-A.
Other names: c.384C>T, p.His128= (NM_001350120.2); c.156C>T, p.His52= (NM_001350121.2); c.384C>T (NM_001350120.1).
Identifiers: ClinVar variation 792080 (VCV000792080.29), dbSNP rs76993885, ClinGen allele CA4316463.